The following is an entry in ClinVar:

ClinVar aggregate classification (germline): Likely benign (1 of 4 stars; one submission).

Allele frequency attached by ClinVar (database versions not stated): gnomAD 0.00009.
gnomAD v4.1: 101 of 1,554,012 alleles (0.0065%); highest among the groups gnomAD compares: Middle Eastern, 0.1%; no homozygotes.

Submission:

CeGaT Center for Human Genetics Tuebingen
Classification: Likely benign. Last evaluated: 2022-10-01. Review status: criteria provided, single submitter. Criteria: CeGaT Center For Human Genetics Tuebingen Variant Classification Criteria Version 2. Collection method: clinical testing. Allele origin: germline. Affected: yes. Observed: 1 variant allele.
Comment: CROCC: BP4, BP7

NM_014675.5(CROCC):c.1947C>T (p.Asp649=)

Gene: CROCC (ciliary rootlet coiled-coil, rootletin; plus strand). Cytogenetic location: 1p36.13.
Variant type: single nucleotide variant.
Coding change: c.1947C>T on transcript NM_014675.5 (MANE Select); coding-DNA position 1947, C replaced by T.
Protein change: p.Asp649=; no amino-acid change (aspartic acid 649 retained).
Molecular consequence: synonymous variant.
Genome position (GRCh38, 1-based): chr1:16,944,238, C>T. VCF-style: chr1-16944238-C-T. GRCh37 (hg19) VCF-style: chr1-17270733-C-T.
Identifiers: ClinVar variation 2638374 (VCV002638374.24), dbSNP rs751980652, ClinGen allele CA634835.